The following is an entry in ClinVar:

ClinVar aggregate classification (germline): Uncertain significance. Review status: criteria provided, multiple submitters, no conflicts (2 of 4 stars). 2 submissions from 2 submitters: Uncertain significance (2). Last evaluated 2025-12-16.

Conditions:
3-methylglutaconic aciduria, type VIIB (MGCA7B). Also called: 3-methylglutaconic aciduria with cataracts, neurologic involvement and neutropenia; 3-methylglutaconic aciduria, type VII, with cataracts, neurologic involvement and neutropenia; CLPB Deficiency. Identifiers: Orphanet 445038, MedGen C5676893, MONDO:0014561, OMIM 616271.
Inborn genetic diseases. Identifiers: MedGen C0950123, MeSH D030342.

Allele frequency attached by ClinVar (database versions not stated): ExAC 0.00002; gnomAD 0.00006; TOPMed 0.00006; ESP Exome Variant Server 0.00015; 1000 Genomes Project 0.00020; 1000 Genomes Project 30x 0.00047.
gnomAD v4.1: 18 of 1,614,176 alleles (0.0011%); highest among the groups gnomAD compares: African/African-American, 0.015%; no homozygotes.

Submissions (2):

Ambry Genetics
Classification: Uncertain significance for Inborn genetic diseases. Last evaluated: 2025-12-16. Review status: criteria provided, single submitter. Criteria: Ambry Variant Classification Scheme 2023. Collection method: clinical testing. Allele origin: germline.

Labcorp Genetics (formerly Invitae), Labcorp
Classification: Uncertain significance for 3-methylglutaconic aciduria, type VIIB. Last evaluated: 2022-08-16. Review status: criteria provided, single submitter. Criteria: Invitae Variant Classification Sherloc (09022015). Collection method: clinical testing. Allele origin: germline.
Comment: In summary, the available evidence is currently insufficient to determine the role of this variant in disease. Therefore, it has been classified as a Variant of Uncertain Significance. Algorithms developed to predict the effect of missense changes on protein structure and function (SIFT, PolyPhen-2, Align-GVGD) all suggest that this variant is likely to be disruptive. This variant has not been reported in the literature in individuals affected with CLPB-related conditions. This variant is present in population databases (rs374032537, gnomAD 0.02%). This sequence change replaces valine, which is neutral and non-polar, with isoleucine, which is neutral and non-polar, at codon 580 of the CLPB protein (p.Val580Ile).

NM_001258392.3(CLPB):c.1648G>A (p.Val550Ile)

Gene: CLPB (ClpB family mitochondrial disaggregase; minus strand). Cytogenetic location: 11q13.4.
Variant type: single nucleotide variant.
Coding change: c.1648G>A on transcript NM_001258392.3 (MANE Select); coding-DNA position 1648, G replaced by A.
Protein change: p.Val550Ile; replaces valine 550 with isoleucine.
Molecular consequence: missense variant.
Genome position (GRCh38, 1-based): chr11:72,294,357, C>T on the plus strand (G>A on the coding strand, the complement: CLPB is on the minus strand). VCF-style: chr11-72294357-C-T. GRCh37 (hg19) VCF-style: chr11-72005401-C-T.
Other names: c.1561G>A, p.Val521Ile (NM_001258393.3); c.1603G>A, p.Val535Ile (NM_001258394.3); c.1738G>A, p.Val580Ile (NM_030813.6); short protein forms V521I, V550I, V535I, V580I.
Identifiers: ClinVar variation 1983646 (VCV001983646.6), dbSNP rs374032537, ClinGen allele CA6171096.